The following is an entry in ClinVar:

ClinVar aggregate classification (germline): Conflicting classifications of pathogenicity. Review status: criteria provided, conflicting classifications (1 of 4 stars). 5 submissions from 5 submitters: Uncertain significance (4); Likely benign (1). Last evaluated 2026-06-24.

Conditions:
Dystonia 12 (DYT12). Also called: DYT-ATP1A3; Rapid-Onset Dystonia-Parkinsonism (RDP). Identifiers: Orphanet 71517, MedGen C1868681, MONDO:0007496, OMIM 128235.

Allele frequency attached by ClinVar (database versions not stated): gnomAD 0.00001 and 0.00003; ExAC 0.00002; gnomAD exomes 0.00002; TOPMed 0.00003.
gnomAD v4.1: 40 of 1,613,972 alleles (0.0025%); highest among the groups gnomAD compares: Middle Eastern, 0.099%; 2 homozygotes.

Submissions (5):

Women's Health and Genetics/Laboratory Corporation of America, LabCorp
Classification: Uncertain significance. Last evaluated: 2026-06-24. Review status: criteria provided, single submitter. Criteria: LabCorp Variant Classification Summary - May 2015. Collection method: clinical testing. Allele origin: germline.
Comment: Variant summary: ATP1A3 c.1472A>G (p.Asn491Ser) results in a conservative amino acid change in the encoded protein sequence. Algorithms developed to predict the effect of missense changes on protein structure and function are either unavailable or do not agree on the potential impact of this missense change. The variant allele was found at a frequency of 2.4e-05 in 251446 control chromosomes. The available data on variant occurrences in the general population are insufficient to allow any conclusion about variant significance. To our knowledge, no occurrence of c.1472A>G in individuals affected with ATP1A3-related conditions and no experimental evidence demonstrating its impact on protein function have been reported. ClinVar contains an entry for this variant (Variation ID: 658429). Based on the evidence outlined above, the variant was classified as uncertain significance.

Labcorp Genetics (formerly Invitae), Labcorp
Classification: Uncertain significance for Dystonia 12. Last evaluated: 2026-01-05. Review status: criteria provided, single submitter. Criteria: Invitae Variant Classification Sherloc (09022015). Collection method: clinical testing. Allele origin: germline.
Comment: This sequence change replaces asparagine, which is neutral and polar, with serine, which is neutral and polar, at codon 491 of the ATP1A3 protein (p.Asn491Ser). This variant is present in population databases (rs782775696, gnomAD 0.006%). This variant has not been reported in the literature in individuals affected with ATP1A3-related conditions. ClinVar contains an entry for this variant (Variation ID: 658429). Invitae Evidence Modeling of protein sequence and biophysical properties (such as structural, functional, and spatial information, amino acid conservation, physicochemical variation, residue mobility, and thermodynamic stability) indicates that this missense variant is not expected to disrupt ATP1A3 protein function with a negative predictive value of 95%. In summary, the available evidence is currently insufficient to determine the role of this variant in disease. Therefore, it has been classified as a Variant of Uncertain Significance.

CeGaT Center for Human Genetics Tuebingen
Classification: Uncertain significance. Last evaluated: 2025-11-01. Review status: criteria provided, single submitter. Criteria: CeGaT Center For Human Genetics Tuebingen Variant Classification Criteria Version 2. Collection method: clinical testing. Allele origin: germline. Affected: yes. Observed: 4 variant alleles.
Comment: ATP1A3: PM2, PP2, BP4

Blueprint Genetics
Classification: Likely benign. Last evaluated: 2023-07-21. Review status: criteria provided, single submitter. Criteria: ACMG Guidelines, 2015. Collection method: clinical testing. Allele origin: germline.

Breakthrough Genomics
Classification: Uncertain significance. Review status: criteria provided, single submitter. Criteria: ACMG Guidelines, 2015. Collection method: not provided. Allele origin: germline. Inheritance: Autosomal dominant inheritance. Affected: yes.

NM_152296.5(ATP1A3):c.1472A>G (p.Asn491Ser)

Gene: ATP1A3 (ATPase Na+/K+ transporting subunit alpha 3; minus strand). Cytogenetic location: 19q13.2.
Variant type: single nucleotide variant.
Coding change: c.1472A>G on transcript NM_152296.5 (MANE Select); coding-DNA position 1472, A replaced by G.
Protein change: p.Asn491Ser; replaces asparagine 491 with serine.
Molecular consequence: missense variant.
Genome position (GRCh38, 1-based): chr19:41,978,764, T>C on the plus strand (A>G on the coding strand, the complement: ATP1A3 is on the minus strand). VCF-style: chr19-41978764-T-C. GRCh37 (hg19) VCF-style: chr19-42482916-T-C.
Other names: c.1505A>G, p.Asn502Ser (NM_001256213.2); c.1511A>G, p.Asn504Ser (NM_001256214.2); short protein forms N502S, N491S, N504S.
Identifiers: ClinVar variation 658429 (VCV000658429.40), dbSNP rs782775696, ClinGen allele CA9467622.